The following is an entry in ClinVar:

ClinVar aggregate classification (germline): Pathogenic (1 of 4 stars; one submission).

Conditions:
Primary ciliary dyskinesia. Also called: Ciliary dyskinesia. Identifiers: Orphanet 244, MedGen C0008780, MONDO:0016575, HP:0012265.

Submission:

Labcorp Genetics (formerly Invitae), Labcorp
Classification: Pathogenic for Primary ciliary dyskinesia. Last evaluated: 2023-06-28. Review status: criteria provided, single submitter. Criteria: Invitae Variant Classification Sherloc (09022015). Collection method: clinical testing. Allele origin: germline.
Comment: For these reasons, this variant has been classified as Pathogenic. Retrotransposon insertions including LINE1 (L1), Alu, and SVA (SINE-VNTR-Alu) have been reported to be disease-causing through disruption of either a coding region or splice site (PMID: 19763152, 20307669, 22406018) and loss-of-function variants in DNAH8 are known to be pathogenic (PMID: 24307375, 32619401, 32681648). Algorithms developed to predict the effect of sequence changes on RNA splicing suggest that this variant may disrupt the consensus splice site. This variant has not been reported in the literature in individuals affected with DNAH8-related conditions. This variant is not present in population databases (gnomAD no frequency). This sequence change inserts a large fragment of DNA, likely a transposable element, in exon 61 of the DNAH8 gene (c.8952_8953ins?), causing a frameshift at codon 2985 (p.Asp2985fs). The exact size and sequence of the insertion cannot be determined by the current assay. However, the insertion is expected to result in an absent or disrupted protein product.

Literature cited by the submitters: PubMed 19763152; PubMed 20307669; PubMed 22406018; PubMed 24307375; PubMed 32619401; PubMed 32681648.

NM_001206927.2(DNAH8):c.8952_8953insTTTTTTTTTTTTTTTTTTTTNNNNNNNNNNCCTGACCTCGTGATCCGCCCACCTCGGCCTCCCAAAGTGCTTGGATTACAGGCGTGAGCCACCGCGCCCGGCCGCCATCCTTT (p.Asp2985delinsPhePhePhePhePhePheXaaXaaXaaXaaProAspLeuValIleArgProProArgProProLysValLeuGlyLeuGlnAlaTer)

Gene: DNAH8 (dynein axonemal heavy chain 8; plus strand). Cytogenetic location: 6p21.2.
Variant type: Insertion.
Coding change: c.8952_8953insTTTTTTTTTTTTTTTTTTTTNNNNNNNNNNCCTGACCTCGTGATCCGCCCACCTCGGCCTCCCAAAGTGCTTGGATTACAGGCGTGAGCCACCGCGCCCGGCCGCCATCCTTT on transcript NM_001206927.2 (MANE Select); coding-DNA positions 8952 to 8953, TTTTTTTTTTTTTTTTTTTTNNNNNNNNNNCCTGACCTCGTGATCCGCCCACCTCGGCCTCCCAAAGTGCTTGGATTACAGGCGTGAGCCACCGCGCCCGGCCGCCATCCTTT inserted.
Protein change: p.Asp2985delinsPhePhePhePhePhePheXaaXaaXaaXaaProAspLeuValIleArgProProArgProProLysValLeuGlyLeuGlnAlaTer.
Molecular consequence: nonsense.
Genome position: GRCh38: chr6:38,898,269-38,898,270. GRCh37 (hg19): chr6:38,866,045-38,866,046.
Other names: c.8301_8302insTTTTTTTTTTTTTTTTTTTTNNNNNNNNNNCCTGACCTCGTGATCCGCCCACCTCGGCCTCCCAAAGTGCTTGGATTACAGGCGTGAGCCACCGCGCCCGGCCGCCATCCTTT, p.Asp2768delinsPhePhePhePhePhePheXaaXaaXaaXaaProAspLeuValIleArgProProArgProProLysValLeuGlyLeuGlnAlaTer (NM_001371.4).
Identifiers: ClinVar variation 2855548 (VCV002855548.3), dbSNP rs2533317859.